The following is an entry in ClinVar:

NM_006206.6(PDGFRA):c.1997A>C (p.Lys666Thr)

Gene: PDGFRA (platelet derived growth factor receptor alpha; plus strand). Cytogenetic location: 4q12.
Variant type: single nucleotide variant.
Coding change: c.1997A>C on transcript NM_006206.6 (MANE Select); coding-DNA position 1997, A replaced by C.
Protein change: p.Lys666Thr; replaces lysine 666 with threonine.
Molecular consequence: missense variant.
Genome position (GRCh38, 1-based): chr4:54,278,001, A>C. VCF-style: chr4-54278001-A-C. GRCh37 (hg19) VCF-style: chr4-55144168-A-C.
Other names: c.1997A>C, p.Lys666Thr (NM_001347827.2, NM_001347829.2); c.2072A>C, p.Lys691Thr (NM_001347828.2); c.2036A>C, p.Lys679Thr (NM_001347830.2); short protein forms K679T, K666T, K691T.
Identifiers: ClinVar variation 1784067 (VCV001784067.2), dbSNP rs2110312256, ClinGen allele CA356893792.

ClinVar aggregate classification (germline): Uncertain significance (1 of 4 stars; one submission).

Conditions:
Hereditary cancer-predisposing syndrome. Also called: Neoplastic Syndromes, Hereditary; Tumor predisposition; Hereditary Cancer Syndrome; Hereditary neoplastic syndrome. Identifiers: Orphanet 140162, MedGen C0027672, MeSH D009386, MONDO:0015356.

Submission:

Ambry Genetics
Classification: Uncertain significance for Hereditary cancer-predisposing syndrome. Last evaluated: 2020-05-07. Review status: criteria provided, single submitter. Criteria: Ambry Variant Classification Scheme 2023. Collection method: clinical testing. Allele origin: germline.
Comment: The p.K666T variant (also known as c.1997A>C), located in coding exon 13 of the PDGFRA gene, results from an A to C substitution at nucleotide position 1997. The lysine at codon 666 is replaced by threonine, an amino acid with similar properties. This amino acid position is well conserved in available vertebrate species. In addition, the in silico prediction for this alteration is inconclusive. Since supporting evidence is limited at this time, the clinical significance of this alteration remains unclear.